The following is an entry in ClinVar:

NM_022168.4(IFIH1):c.331C>A (p.His111Asn)

Gene: IFIH1 (interferon induced with helicase C domain 1; minus strand). Cytogenetic location: 2q24.2.
Variant type: single nucleotide variant.
Coding change: c.331C>A on transcript NM_022168.4 (MANE Select); coding-DNA position 331, C replaced by A.
Protein change: p.His111Asn; replaces histidine 111 with asparagine.
Molecular consequence: missense variant.
Genome position (GRCh38, 1-based): chr2:162,317,977, G>T on the plus strand (C>A on the coding strand, the complement: IFIH1 is on the minus strand). VCF-style: chr2-162317977-G-T. GRCh37 (hg19) VCF-style: chr2-163174487-G-T.
Other names: short protein forms H111N.
Identifiers: ClinVar variation 1499784 (VCV001499784.8), dbSNP rs760903088, ClinGen allele CA1934854.

ClinVar aggregate classification (germline): Uncertain significance (1 of 4 stars; one submission).

Conditions:
Singleton-Merten syndrome 1 (SGMRT1). Also called: Widened medullary cavities of bone, aortic calcification, abnormal dentition, and muscular weakness; Syndrome of widened medullary cavities of the metacarpals and phalanges, aortic calcification and abnormal dentition. Identifiers: Orphanet 85191, MedGen C4225427, MONDO:0024535, OMIM 182250.
Aicardi-Goutieres syndrome 7 (AGS7). Identifiers: Orphanet 51, MedGen C3888244, MONDO:0014367, OMIM 615846.

Allele frequency attached by ClinVar (database versions not stated): gnomAD exomes 0.00002; ExAC 0.00002; gnomAD 0.00001.
gnomAD v4.1: 36 of 1,614,042 alleles (0.0022%); highest among the groups gnomAD compares: Non-Finnish European, 0.0024%; no homozygotes.

Submission:

Labcorp Genetics (formerly Invitae), Labcorp
Classification: Uncertain significance for Aicardi-Goutieres syndrome 7; Singleton-Merten syndrome 1. Last evaluated: 2025-07-31. Review status: criteria provided, single submitter. Criteria: Invitae Variant Classification Sherloc (09022015). Collection method: clinical testing. Allele origin: germline.
Comment: This sequence change replaces histidine, which is basic and polar, with asparagine, which is neutral and polar, at codon 111 of the IFIH1 protein (p.His111Asn). This variant is present in population databases (rs760903088, gnomAD 0.002%). This variant has not been reported in the literature in individuals affected with IFIH1-related conditions. ClinVar contains an entry for this variant (Variation ID: 1499784). An algorithm developed to predict the effect of missense changes on protein structure and function outputs the following: PolyPhen-2: "Benign". The asparagine amino acid residue is found in multiple mammalian species, which suggests that this missense change does not adversely affect protein function. In summary, the available evidence is currently insufficient to determine the role of this variant in disease. Therefore, it has been classified as a Variant of Uncertain Significance.